The following is an entry in ClinVar:

NM_004385.5(VCAN):c.9901G>T (p.Val3301Phe)

Gene: VCAN (versican; plus strand). Cytogenetic location: 5q14.3.
Variant type: single nucleotide variant.
Coding change: c.9901G>T on transcript NM_004385.5 (MANE Select); coding-DNA position 9901, G replaced by T.
Protein change: p.Val3301Phe; replaces valine 3301 with phenylalanine.
Molecular consequence: missense variant.
Genome position (GRCh38, 1-based): chr5:83,580,000, G>T. VCF-style: chr5-83580000-G-T. GRCh37 (hg19) VCF-style: chr5-82875819-G-T.
Other names: c.1678G>T, p.Val560Phe (NM_001126336.3); c.6940G>T, p.Val2314Phe (NM_001164097.2); c.4639G>T, p.Val1547Phe (NM_001164098.2); short protein forms V2314F, V3301F, V1547F, V560F.
Identifiers: ClinVar variation 1407684 (VCV001407684.6), dbSNP rs141523318, ClinGen allele CA360300578.
Genomic context (GRCh38, chr5:83,580,000, plus strand): 5'-CTTAGATTATTTGGAAATAACCCAATTTGCTTTCCTTTAGTCGCTTGCGGCCAGCCCCCT[G>T]TTGTAGAAAATGCCAAGACCTTTGGAAAGATGAAACCTCGTTATGAAATCAACTCCCTGA-3'
Protein context (NP_004376.2, residues 3291-3311): KGTVACGQPP[Val3301Phe]VENAKTFGKM

ClinVar aggregate classification (germline): Uncertain significance (1 of 4 stars; one submission).

gnomAD v4.1: 8 of 1,614,052 alleles (0.0005%); highest among the groups gnomAD compares: Non-Finnish European, 0.00059%; no homozygotes.

Submission:

Labcorp Genetics (formerly Invitae), Labcorp
Classification: Uncertain significance. Last evaluated: 2021-07-27. Review status: criteria provided, single submitter. Criteria: Invitae Variant Classification Sherloc (09022015). Collection method: clinical testing. Allele origin: germline.
Comment: In summary, the available evidence is currently insufficient to determine the role of this variant in disease. Therefore, it has been classified as a Variant of Uncertain Significance. Algorithms developed to predict the effect of missense changes on protein structure and function are either unavailable or do not agree on the potential impact of this missense change (SIFT: "Deleterious"; PolyPhen-2: "Probably Damaging"; Align-GVGD: "Class C0"). This variant has not been reported in the literature in individuals affected with VCAN-related conditions. This variant is not present in population databases (ExAC no frequency). This sequence change replaces valine with phenylalanine at codon 3301 of the VCAN protein (p.Val3301Phe). The valine residue is highly conserved and there is a small physicochemical difference between valine and phenylalanine.